The following is an entry in ClinVar:

ClinVar aggregate classification (germline): Uncertain significance (1 of 4 stars; one submission).

Conditions:
Generalized epilepsy with febrile seizures plus, type 7 (GEFSP7). Also called: GEFS+, TYPE 7. Identifiers: Orphanet 36387, MedGen C2751778, MONDO:0013470, OMIM 613863.
Neuropathy, hereditary sensory and autonomic, type 2A (HSAN2A). Also called: ACROOSTEOLYSIS, GIACCAI TYPE; ACROOSTEOLYSIS, NEUROGENIC; WNK1-Related HSAN2 (HSAN2A); HSAN IIA; MORVAN DISEASE; NEUROPATHY, CONGENITAL SENSORY. Identifiers: Orphanet 970, MedGen C2752089, MONDO:0024309, OMIM 201300.

Submission:

Labcorp Genetics (formerly Invitae), Labcorp
Classification: Uncertain significance for Neuropathy, hereditary sensory and autonomic, type 2A; Generalized epilepsy with febrile seizures plus, type 7. Last evaluated: 2022-08-24. Review status: criteria provided, single submitter. Criteria: Invitae Variant Classification Sherloc (09022015). Collection method: clinical testing. Allele origin: germline.
Comment: This sequence change replaces isoleucine, which is neutral and non-polar, with threonine, which is neutral and polar, at codon 1319 of the SCN9A protein (p.Ile1319Thr). This variant is not present in population databases (gnomAD no frequency). In summary, the available evidence is currently insufficient to determine the role of this variant in disease. Therefore, it has been classified as a Variant of Uncertain Significance. Algorithms developed to predict the effect of missense changes on protein structure and function (SIFT, PolyPhen-2, Align-GVGD) all suggest that this variant is likely to be tolerated. This variant has not been reported in the literature in individuals affected with SCN9A-related conditions.

NM_001365536.1(SCN9A):c.3989T>C (p.Ile1330Thr)

Genes: SCN9A (sodium voltage-gated channel alpha subunit 9; minus strand), SCN1A-AS1 (SCN1A and SCN9A antisense RNA 1; plus strand). Cytogenetic location: 2q24.3.
Variant type: single nucleotide variant.
Coding change: c.3989T>C on transcript NM_001365536.1 (MANE Select); coding-DNA position 3989, T replaced by C.
Protein change: p.Ile1330Thr; replaces isoleucine 1330 with threonine.
Molecular consequence: missense variant.
Genome position (GRCh38, 1-based): chr2:166,228,908, A>G on the plus strand (T>C on the coding strand, the complement: SCN9A is on the minus strand). VCF-style: chr2-166228908-A-G. GRCh37 (hg19) VCF-style: chr2-167085418-A-G.
Other names: c.3956T>C, p.Ile1319Thr (NM_002977.4); short protein forms I1319T, I1330T.
Identifiers: ClinVar variation 1717922 (VCV001717922.6), dbSNP rs2468977301, ClinGen allele CA349064423.